The following is an entry in ClinVar:

NM_001556.3(IKBKB):c.1192G>A (p.Glu398Lys)

Gene: IKBKB (inhibitor of nuclear factor kappa B kinase subunit beta; plus strand). Cytogenetic location: 8p11.21.
Variant type: single nucleotide variant.
Coding change: c.1192G>A on transcript NM_001556.3 (MANE Select); coding-DNA position 1192, G replaced by A.
Protein change: p.Glu398Lys; replaces glutamic acid 398 with lysine.
Molecular consequence: missense variant. On other transcripts: non-coding transcript variant (3).
Genome position (GRCh38, 1-based): chr8:42,317,723, G>A. VCF-style: chr8-42317723-G-A. GRCh37 (hg19) VCF-style: chr8-42175241-G-A.
Other names: c.1000G>A, p.Glu334Lys (NM_001190720.3); c.1015G>A, p.Glu339Lys (NM_001242778.2); short protein forms E334K, E339K, E398K.
Identifiers: ClinVar variation 2189698 (VCV002189698.4), dbSNP rs199756216, ClinGen allele CA4731922.

ClinVar aggregate classification (germline): Uncertain significance (1 of 4 stars; one submission).

Conditions:
Severe combined immunodeficiency due to IKK2 deficiency. Also called: Immunodeficiency 15; IMMUNODEFICIENCY 15B. Identifiers: Orphanet 397787, MedGen C4747743, MONDO:0014267, OMIM 615592.

Allele frequency attached by ClinVar (database versions not stated): gnomAD 0.00001; gnomAD exomes 0.00001; TOPMed 0.00001; ExAC 0.00002.
gnomAD v4.1: 10 of 1,613,910 alleles (0.00062%); highest among the groups gnomAD compares: Non-Finnish European, 0.00076%; no homozygotes.

Submission:

Labcorp Genetics (formerly Invitae), Labcorp
Classification: Uncertain significance for Severe combined immunodeficiency due to IKK2 deficiency. Last evaluated: 2024-03-18. Review status: criteria provided, single submitter. Criteria: Invitae Variant Classification Sherloc (09022015). Collection method: clinical testing. Allele origin: germline.
Comment: This sequence change replaces glutamic acid, which is acidic and polar, with lysine, which is basic and polar, at codon 398 of the IKBKB protein (p.Glu398Lys). This variant is present in population databases (rs199756216, gnomAD 0.002%). This variant has not been reported in the literature in individuals affected with IKBKB-related conditions. ClinVar contains an entry for this variant (Variation ID: 2189698). Advanced modeling of protein sequence and biophysical properties (such as structural, functional, and spatial information, amino acid conservation, physicochemical variation, residue mobility, and thermodynamic stability) performed at Invitae indicates that this missense variant is not expected to disrupt IKBKB protein function with a negative predictive value of 95%. In summary, the available evidence is currently insufficient to determine the role of this variant in disease. Therefore, it has been classified as a Variant of Uncertain Significance.